The following is an entry in ClinVar:

ClinVar aggregate classification (germline): Uncertain significance. Review status: criteria provided, multiple submitters, no conflicts (2 of 4 stars). 2 submissions from 2 submitters: Uncertain significance (2). Last evaluated 2026-03-18.

Submissions (2):

Women's Health and Genetics/Laboratory Corporation of America, LabCorp
Classification: Uncertain significance. Last evaluated: 2026-03-18. Review status: criteria provided, single submitter. Criteria: LabCorp Variant Classification Summary - May 2015. Collection method: clinical testing. Allele origin: germline.
Comment: Variant summary: LAMA2 c.8314A>G (p.Ser2772Gly) results in a non-conservative amino acid change in the encoded protein sequence. Algorithms developed to predict the effect of missense changes on protein structure and function are either unavailable or do not agree on the potential impact of this missense change. The variant was absent in 251106 control chromosomes. The available data on variant occurrences in the general population are insufficient to allow any conclusion about variant significance. To our knowledge, no occurrence of c.8314A>G in individuals affected with LAMA2-related conditions and no experimental evidence demonstrating its impact on protein function have been reported. ClinVar contains an entry for this variant (Variation ID: 4541219). Based on the evidence outlined above, the variant was classified as uncertain significance.

Mayo Clinic Laboratories, Mayo Clinic
Classification: Uncertain significance. Last evaluated: 2025-12-18. Review status: criteria provided, single submitter. Criteria: ACMG Guidelines, 2015. Collection method: clinical testing. Allele origin: germline. Observed: 1 variant allele.
Comment: PM2_supporting

NM_000426.4(LAMA2):c.8314A>G (p.Ser2772Gly)

Genes: LAMA2 (laminin subunit alpha 2; plus strand), LOC126859784 (CDK7 strongly-dependent group 2 enhancer GRCh37_chr6:129822854-129824053; plus strand). Cytogenetic location: 6q22.33.
Variant type: single nucleotide variant.
Coding change: c.8314A>G on transcript NM_000426.4 (MANE Select); coding-DNA position 8314, A replaced by G.
Protein change: p.Ser2772Gly; replaces serine 2772 with glycine.
Molecular consequence: missense variant.
Genome position (GRCh38, 1-based): chr6:129,502,728, A>G. VCF-style: chr6-129502728-A-G. GRCh37 (hg19) VCF-style: chr6-129823873-A-G.
Other names: p.Ser2772Gly; c.8302A>G, p.Ser2768Gly (NM_001079823.2); short protein forms S2768G, S2772G.
Identifiers: ClinVar variation 4541219 (VCV004541219.2).